The following is an entry in ClinVar:

ClinVar aggregate classification (germline): Benign. Review status: criteria provided, single submitter (1 of 4 stars). 2 submissions from 2 submitters: Benign (1). 1 of the submissions does not count toward it. Last evaluated 2024-01-22.

Allele frequency attached by ClinVar (database versions not stated): gnomAD 0.00007 and 0.00009; TOPMed 0.00011; ExAC 0.00019; gnomAD exomes 0.00020.
gnomAD v4.1: 128 of 1,614,078 alleles (0.0079%); highest among the groups gnomAD compares: East Asian, 0.25%; no homozygotes.

Submissions (2):

Blueprint Genetics
Classification: Benign. Last evaluated: 2024-01-22. Review status: criteria provided, single submitter. Criteria: ACMG Guidelines, 2015. Collection method: clinical testing. Allele origin: germline.

ITMI
No classification provided. Condition: AllHighlyPenetrant. Last evaluated: 2013-09-19. Review status: no classification provided. Collection method: reference population. Allele origin: germline. Not counted in ClinVar's aggregate classification.
Comment: Please see associated publication for description of ethnicities

Literature cited by the submitters: PubMed 24728327 (cited by ITMI).

NM_003073.5(SMARCB1):c.500+41G>A

Gene: SMARCB1 (SWI/SNF related BAF chromatin remodeling complex subunit B1; plus strand). Cytogenetic location: 22q11.23.
Variant type: single nucleotide variant.
Coding change: c.500+41G>A on transcript NM_003073.5 (MANE Select); 41 bases into the intron after coding-DNA position 500, G replaced by A.
Molecular consequence: intron variant. On other transcripts: missense variant (2).
Genome position (GRCh38, 1-based): chr22:23,801,122, G>A. VCF-style: chr22-23801122-G-A. GRCh37 (hg19) VCF-style: chr22-24143309-G-A.
Other names: c.514G>A, p.Ala172Thr (NM_001317946.2); c.541G>A, p.Ala181Thr (NM_001362877.2); c.473+41G>A (NM_001007468.3); short protein forms A172T, A181T.
Identifiers: ClinVar variation 133387 (VCV000133387.2), dbSNP rs587777973, ClinGen allele CA156479.
Genomic context (GRCh38, chr22:23,801,122, plus strand): 5'-AAGAGAACCTTCCCCCTTTGGTGTGGATGCATCGCTGCACTCACCCTCCGTGCTGATTCC[G>A]CCTTAGTTCTCCAGCACGTTTCAGTTCCTTCCTCCCCAGAAAAACACTCTGCTTTGACCT-3'